The following is an entry in ClinVar:

ClinVar aggregate classification (germline): Uncertain significance (1 of 4 stars; one submission).

Conditions:
Autosomal dominant limb-girdle muscular dystrophy type 1F (LGMDD2). Also called: Limb-girdle muscular dystrophy, type 1F; MUSCULAR DYSTROPHY, LIMB-GIRDLE, AUTOSOMAL DOMINANT 2. Identifiers: Orphanet 55595, MedGen C1842062, MONDO:0012034, OMIM 608423.

Submission:

Labcorp Genetics (formerly Invitae), Labcorp
Classification: Uncertain significance for Autosomal dominant limb-girdle muscular dystrophy type 1F. Last evaluated: 2017-05-16. Review status: criteria provided, single submitter. Criteria: Invitae Variant Classification Sherloc (09022015). Collection method: clinical testing. Allele origin: germline.
Comment: In summary, this variant has uncertain impact on TNPO3 function. The available evidence is currently insufficient to determine its role in disease. Therefore, it has been classified as a Variant of Uncertain Significance. The current clinical and genetic evidence is not sufficient to establish whether loss-of-function variants in TNPO3 cause disease. This variant has not been reported in the literature in individuals with a TNPO3-related disease. This variant is not present in population databases (ExAC no frequency). This sequence change creates a premature translational stop signal (p.Cys419*) in the TNPO3 gene. It is expected to result in an absent or disrupted protein product.

NM_012470.4(TNPO3):c.1256_1257insA (p.Cys419Ter)

Gene: TNPO3 (transportin 3; minus strand). Cytogenetic location: 7q32.1.
Variant type: Insertion.
Coding change: c.1256_1257insA on transcript NM_012470.4 (MANE Select); coding-DNA positions 1256 to 1257, A inserted.
Protein change: p.Cys419Ter; replaces cysteine 419 with a stop codon.
Molecular consequence: nonsense. On other transcripts: non-coding transcript variant (18), intron variant (1).
Genome position: GRCh38 VCF-style: chr7-128993816-A-AT. GRCh37 (hg19) VCF-style: chr7-128633870-A-AT.
Other names: c.1256_1257insA, p.Cys419Ter (NM_001191028.3, NM_001382216.1, NM_001382218.1 and 2 more transcripts); c.1337_1338insA, p.Cys446Ter (NM_001382217.1); c.1112_1113insA, p.Cys371Ter (NM_001382221.1); c.1109_1110insA, p.Cys370Ter (NM_001382222.1); c.1159-1727_1159-1726insA (NM_001382219.1); short protein forms C370*, C371*, C419*, C446*.
Identifiers: ClinVar variation 2849391 (VCV002849391.3), dbSNP rs2536173435, ClinGen allele CA2739279445.